The following is an entry in ClinVar:

NM_000107.3(DDB2):c.818G>A (p.Arg273His)

Gene: DDB2 (damage specific DNA binding protein 2; plus strand). Cytogenetic location: 11p11.2.
Variant type: single nucleotide variant.
Coding change: c.818G>A on transcript NM_000107.3 (MANE Select); coding-DNA position 818, G replaced by A.
Protein change: p.Arg273His; replaces arginine 273 with histidine.
Molecular consequence: missense variant. On other transcripts: intron variant (1).
Genome position (GRCh38, 1-based): chr11:47,234,872, G>A. VCF-style: chr11-47234872-G-A. GRCh37 (hg19) VCF-style: chr11-47256423-G-A.
Other names: c.457-2965G>A (NM_001300734.2); short protein forms R273H.
Identifiers: ClinVar variation 8788 (VCV000008788.25), dbSNP rs121434640, ClinGen allele CA254556.

ClinVar aggregate classification (germline): Pathogenic/Likely pathogenic. Review status: criteria provided, multiple submitters, no conflicts (2 of 4 stars). 3 submissions from 3 submitters: Pathogenic (1); Likely pathogenic (1). 1 of the submissions does not count toward it. Last evaluated 2024-08-14.

Conditions:
Xeroderma pigmentosum, group E (XPE). Also called: XERODERMA PIGMENTOSUM V; XP, GROUP E; Xeroderma pigmentosum, group E, DDB-negative subtype; DDB2-Related Xeroderma Pigmentosum; Xeroderma pigmentosum, complementation group E, DDB-negative form; Xeroderma pigmentosum, complementation group E. Identifiers: Orphanet 910, MedGen C1848411, MONDO:0010213, OMIM 278740.

Allele frequency attached by ClinVar (database versions not stated): gnomAD exomes 0.00001 and 0.00002; TOPMed 0.00001; ExAC 0.00002; gnomAD 0.00002.
gnomAD v4.1: 16 of 1,614,054 alleles (0.00099%); highest among the groups gnomAD compares: East Asian, 0.0022%; no homozygotes.

Submissions (3):

Labcorp Genetics (formerly Invitae), Labcorp
Classification: Pathogenic. Last evaluated: 2024-08-14. Review status: criteria provided, single submitter. Criteria: Invitae Variant Classification Sherloc (09022015). Collection method: clinical testing. Allele origin: germline.
Comment: This sequence change replaces arginine, which is basic and polar, with histidine, which is basic and polar, at codon 273 of the DDB2 protein (p.Arg273His). This variant is present in population databases (rs121434640, gnomAD 0.009%). This missense change has been observed in individual(s) with clinical features of xeroderma pigmentosum (PMID: 8798680, 21107348; Invitae). It has also been observed to segregate with disease in related individuals. ClinVar contains an entry for this variant (Variation ID: 8788). An algorithm developed to predict the effect of missense changes on protein structure and function (PolyPhen-2) suggests that this variant is likely to be disruptive. Experimental studies have shown that this missense change affects DDB2 function (PMID: 10777490, 16964240). For these reasons, this variant has been classified as Pathogenic.

CeGaT Center for Human Genetics Tuebingen
Classification: Likely pathogenic. Last evaluated: 2024-04-01. Review status: criteria provided, single submitter. Criteria: CeGaT Center For Human Genetics Tuebingen Variant Classification Criteria Version 2. Collection method: clinical testing. Allele origin: germline. Affected: yes. Observed: 1 variant allele.
Comment: DDB2: PS3, PM2

OMIM
Classification: Pathogenic for XERODERMA PIGMENTOSUM, COMPLEMENTATION GROUP E. Last evaluated: 1999-12-10. Review status: no assertion criteria provided. Collection method: literature only. Allele origin: germline. Not counted in ClinVar's aggregate classification.

Literature cited by the submitters: PubMed 8798680 (cited by Labcorp Genetics (formerly Invitae), Labcorp); PubMed 21107348 (cited by Labcorp Genetics (formerly Invitae), Labcorp); PubMed 10777490 (cited by Labcorp Genetics (formerly Invitae), Labcorp); PubMed 16964240 (cited by Labcorp Genetics (formerly Invitae), Labcorp); Nichols, A. F. Personal Communication. 1995. Berkeley, Calif. (cited by OMIM); PubMed 10585395 (cited by OMIM).